The following is an entry in ClinVar:

ClinVar aggregate classification (germline): Pathogenic. Review status: criteria provided, multiple submitters, no conflicts (2 of 4 stars). 3 submissions from 3 submitters: Pathogenic (2). 1 of the submissions does not count toward it. Last evaluated 2020-06-09.

Conditions:
Mitochondrial trifunctional protein deficiency. Identifiers: Orphanet 746, MedGen C1969443, MONDO:0012172.
Mitochondrial trifunctional protein deficiency 2 with myopathy and neuropathy. Identifiers: MedGen C5830693.

gnomAD v4.1: 3 of 1,596,498 alleles (0.00019%); highest among the groups gnomAD compares: East Asian, 0.0067%; no homozygotes.

Submissions (3):

Women's Health and Genetics/Laboratory Corporation of America, LabCorp
Classification: Pathogenic for Mitochondrial trifunctional protein deficiency. Last evaluated: 2020-06-09. Review status: criteria provided, single submitter. Criteria: LabCorp Variant Classification Summary - May 2015. Collection method: clinical testing. Allele origin: germline.
Comment: Variant summary: HADHB c.1175C>T (p.Ala392Val) results in a non-conservative amino acid change located in the Thiolase, C-terminal domain (IPR020617) of the encoded protein sequence. Five of five in-silico tools predict a damaging effect of the variant on protein function. The variant was absent in 251410 control chromosomes. c.1175C>T has been reported in the literature in multiple individuals affected with Mitochondrial Trifunctional Protein Deficiency (example, Naiki_2014, Bo_2017, Lu_2018). These data indicate that the variant is very likely to be associated with disease. At least one publication reports experimental evidence evaluating an impact on protein function. The most pronounced variant effect results in <10% of normal activity (Naiki_2014). No clinical diagnostic laboratories have submitted clinical-significance assessments for this variant to ClinVar after 2014. Based on the evidence outlined above, the variant was classified as pathogenic.

Labcorp Genetics (formerly Invitae), Labcorp
Classification: Pathogenic for Mitochondrial trifunctional protein deficiency. Last evaluated: 2020-05-21. Review status: criteria provided, single submitter. Criteria: Invitae Variant Classification Sherloc (09022015). Collection method: clinical testing. Allele origin: germline.
Comment: This sequence change replaces alanine with valine at codon 392 of the HADHB protein (p.Ala392Val). The alanine residue is highly conserved and there is a small physicochemical difference between alanine and valine. For these reasons, this variant has been classified as Pathogenic. This variant has been reported to affect HADHB protein function (PMID: 24664533). This variant has been observed in individuals with mitochondrial trifunctional protein deficiency (PMID: 24664533, Invitae). It has also been observed to segregate with disease in related individuals. ClinVar contains an entry for this variant (Variation ID: 190379). This variant is not present in population databases (ExAC no frequency).

OMIM
Classification: Pathogenic for MITOCHONDRIAL TRIFUNCTIONAL PROTEIN DEFICIENCY 2 WITH MYOPATHY AND NEUROPATHY. Last evaluated: 2014-05-01. Review status: no assertion criteria provided. Collection method: literature only. Allele origin: germline. Not counted in ClinVar's aggregate classification.

Literature cited by the submitters: PubMed 28515471 (cited by Women's Health and Genetics/Laboratory Corporation of America, LabCorp); PubMed 29956646 (cited by Women's Health and Genetics/Laboratory Corporation of America, LabCorp); PubMed 24664533 (cited by 3 submitters).

NM_000183.3(HADHB):c.1175C>T (p.Ala392Val)

Gene: HADHB (hydroxyacyl-CoA dehydrogenase trifunctional multienzyme complex subunit beta; plus strand). Cytogenetic location: 2p23.3.
Variant type: single nucleotide variant.
Coding change: c.1175C>T on transcript NM_000183.3 (MANE Select); coding-DNA position 1175, C replaced by T.
Protein change: p.Ala392Val; replaces alanine 392 with valine.
Molecular consequence: missense variant.
Genome position (GRCh38, 1-based): chr2:26,284,908, C>T. VCF-style: chr2-26284908-C-T. GRCh37 (hg19) VCF-style: chr2-26507776-C-T.
Other names: c.1130C>T, p.Ala377Val (NM_001281512.2); c.1109C>T, p.Ala370Val (NM_001281513.2); short protein forms A392V, A370V, A377V.
Identifiers: ClinVar variation 190379 (VCV000190379.12), dbSNP rs764623179, ClinGen allele CA346844.